The following is an entry in ClinVar:

NM_001355436.2(SPTB):c.866G>C (p.Arg289Pro)

Gene: SPTB (spectrin beta, erythrocytic; minus strand). Cytogenetic location: 14q23.3.
Variant type: single nucleotide variant.
Coding change: c.866G>C on transcript NM_001355436.2 (MANE Select); coding-DNA position 866, G replaced by C.
Protein change: p.Arg289Pro; replaces arginine 289 with proline.
Molecular consequence: missense variant.
Genome position (GRCh38, 1-based): chr14:64,800,766, C>G on the plus strand (G>C on the coding strand, the complement: SPTB is on the minus strand). VCF-style: chr14-64800766-C-G. GRCh37 (hg19) VCF-style: chr14-65267484-C-G.
Other names: c.866G>C, p.Arg289Pro (NM_001024858.4, NM_001355437.2); short protein forms R289P.
Identifiers: ClinVar variation 4735051 (VCV004735051.1).
Genomic context (GRCh38, chr14:64,800,766, plus strand): 5'-ACCTGACAAACAGGGGAAGAGTGACACTTTGGTTCCAAAACAGCTTGTACCTTGCCGACA[C>G]GCTTGCCCTCCACTGCCAGCACCTTCATCTTGGAGAAGTAGTGGTAAAAGGCCACCACAT-3'
Protein context (NP_001342365.1, residues 279-299): KMKVLAVEGK[Arg289Pro]VGKVIDHAIE

ClinVar aggregate classification (germline): Uncertain significance (1 of 4 stars; one submission).

Submission:

Labcorp Genetics (formerly Invitae), Labcorp
Classification: Uncertain significance. Last evaluated: 2026-01-11. Review status: criteria provided, single submitter. Criteria: Invitae Variant Classification Sherloc (09022015). Collection method: clinical testing. Allele origin: germline.
Comment: This sequence change replaces arginine, which is basic and polar, with proline, which is neutral and non-polar, at codon 289 of the SPTB protein (p.Arg289Pro). This variant is not present in population databases (gnomAD no frequency). This variant has not been reported in the literature in individuals affected with SPTB-related conditions. An algorithm developed to predict the effect of missense changes on protein structure and function (PolyPhen-2) suggests that this variant is likely to be disruptive. In summary, the available evidence is currently insufficient to determine the role of this variant in disease. Therefore, it has been classified as a Variant of Uncertain Significance.